The following is an entry in ClinVar:

ClinVar aggregate classification (germline): Uncertain significance (1 of 4 stars; one submission).

Submission:

Center for Pediatric Genomic Medicine, Children's Mercy Hospital and Clinics
Classification: Uncertain significance. Last evaluated: 2017-01-04. Review status: criteria provided, single submitter. Criteria: ACMG Guidelines, 2015. Collection method: clinical testing. Allele origin: germline.
ClinVar note: Converted during submission from Uncertain Significance to Uncertain significance.

NC_012920.1(MT-CO1):m.6299A>G

Gene: MT-CO1 (mitochondrially encoded cytochrome c oxidase I; plus strand).
Variant type: single nucleotide variant.
Genome position: chrM-6299-A-G.
Identifiers: ClinVar variation 377327 (VCV000377327.3), dbSNP rs1057520195, ClinGen allele CA16603341.